The following is an entry in ClinVar:

NM_138711.6(PPARG):c.-8-28026A>T

Gene: PPARG (peroxisome proliferator activated receptor gamma; plus strand). Cytogenetic location: 3p25.2.
Variant type: single nucleotide variant.
Coding change: c.-8-28026A>T on transcript NM_138711.6 (MANE Select); 28026 bases into the intron before 8 bases upstream of the start codon, A replaced by T.
Molecular consequence: intron variant.
Genome position (GRCh38, 1-based): chr3:12,351,678, A>T. VCF-style: chr3-12351678-A-T. GRCh37 (hg19) VCF-style: chr3-12393177-A-T.
Other names: c.-8-28026A>T (NM_001354666.3, NM_138712.5, NM_005037.7 and 5 more transcripts); c.-435-28026A>T (NM_001354669.2); c.-9+6784A>T (NM_001374262.3); c.-2-28026A>T (NM_001374266.1, NM_001354670.2); c.82+4A>T (NM_015869.5, NM_001374265.1, NM_001354668.2).
Identifiers: ClinVar variation 4997540 (VCV004997540.1).

ClinVar aggregate classification (germline): Likely benign (1 of 4 stars; one submission).

Conditions:
PPARG-related disorder. Also called: PPARG-related disorders; PPARG-related condition.

gnomAD v4.1: 6 of 1,601,292 alleles (0.00037%); highest among the groups gnomAD compares: Non-Finnish European, 0.00017%; no homozygotes.

Submission:

PreventionGenetics, part of Exact Sciences
Classification: Likely benign for PPARG-related condition. Last evaluated: 2025-02-05. Review status: criteria provided, single submitter. Criteria: ACMG Guidelines, 2015. Collection method: clinical testing. Allele origin: germline.
Comment: This variant is classified as likely benign based on ACMG/AMP sequence variant interpretation guidelines (Richards et al. 2015 PMID: 25741868, with internal and published modifications).